The following is an entry in ClinVar:

NM_020975.6(RET):c.3039A>T (p.Arg1013Ser)

Gene: RET (ret proto-oncogene; plus strand). Cytogenetic location: 10q11.21.
Variant type: single nucleotide variant.
Coding change: c.3039A>T on transcript NM_020975.6 (MANE Select); coding-DNA position 3039, A replaced by T.
Protein change: p.Arg1013Ser; replaces arginine 1013 with serine.
Molecular consequence: missense variant.
Genome position (GRCh38, 1-based): chr10:43,124,982, A>T. VCF-style: chr10-43124982-A-T. GRCh37 (hg19) VCF-style: chr10-43620430-A-T.
Other names: c.2277A>T, p.Arg759Ser (NM_001355216.2); c.3039A>T, p.Arg1013Ser (NM_001406743.1, NM_001406744.1, NM_001406759.1 and 2 more transcripts); c.2910A>T, p.Arg970Ser (NM_001406761.1, NM_001406762.1, NM_001406764.1); c.2904A>T, p.Arg968Ser (NM_001406763.1, NM_001406765.1); c.2751A>T, p.Arg917Ser (NM_001406766.1, NM_001406767.1, NM_001406770.1); c.2775A>T, p.Arg925Ser (NM_001406768.1); c.2643A>T, p.Arg881Ser (NM_001406769.1, NM_001406772.1); c.2601A>T, p.Arg867Ser (NM_001406771.1, NM_001406773.1); and 10 more; short protein forms R1013S, R530S, R578S, R618S, R669S, R671S, R674S, R683S.
Identifiers: ClinVar variation 3348295 (VCV003348295.1).

ClinVar aggregate classification (germline): Uncertain significance (0 of 4 stars; one submission).

Conditions:
RET-related disorder. Also called: RET-related disorders; RET-related condition; RET-related disease.

Submission:

PreventionGenetics, part of Exact Sciences
Classification: Uncertain significance for RET-related condition. Last evaluated: 2024-03-25. Review status: no assertion criteria provided. Collection method: clinical testing. Allele origin: germline.
Comment: The RET c.3039A>T variant is predicted to result in the amino acid substitution p.Arg1013Ser. To our knowledge, this variant has not been reported in the literature or in a large population database, indicating this variant is rare. At this time, the clinical significance of this variant is uncertain due to the absence of conclusive functional and genetic evidence.